The following is an entry in ClinVar:

ClinVar aggregate classification (germline): Uncertain significance (1 of 4 stars; one submission).

Submission:

GeneDx
Classification: Uncertain significance. Last evaluated: 2025-11-10. Review status: criteria provided, single submitter. Criteria: GeneDx Variant Classification Process June 2021. Collection method: clinical testing. Allele origin: germline.
Comment: Not observed at significant frequency in large population cohorts (gnomAD); In silico analysis supports that this missense variant has a deleterious effect on protein structure/function; Has not been previously published as pathogenic or benign to our knowledge

NM_153252.5(BRWD3):c.3100C>T (p.Leu1034Phe)

Gene: BRWD3 (bromodomain and WD repeat domain containing 3; minus strand). Cytogenetic location: Xq21.1.
Variant type: single nucleotide variant.
Coding change: c.3100C>T on transcript NM_153252.5 (MANE Select); coding-DNA position 3100, C replaced by T.
Protein change: p.Leu1034Phe; replaces leucine 1034 with phenylalanine.
Molecular consequence: missense variant.
Genome position (GRCh38, 1-based): chrX:80,695,959, G>A on the plus strand (C>T on the coding strand, the complement: BRWD3 is on the minus strand). VCF-style: chrX-80695959-G-A. GRCh37 (hg19) VCF-style: chrX-79951458-G-A.
Other names: short protein forms L1034F.
Identifiers: ClinVar variation 2576851 (VCV002576851.2), dbSNP rs2520247785, ClinGen allele CA413620299.
Genomic context (GRCh38, chrX:80,695,959, plus strand): 5'-TATATTTACCAATCTGCCAGTTCCTTTCTTTGGCTTCATTATAAAACTGATGTAGCACAA[G>A]GAAGTCAATGACATCCGGCATGTCATGATACCTATACAGAAAATAAAGCACATATGAATC-3'
Protein context (NP_694984.5, residues 1024-1044): YHDMPDVIDF[Leu1034Phe]VLHQFYNEAK